The following is an entry in ClinVar:

NM_080425.4(GNAS):c.1768C>A (p.Arg590Ser)

Gene: GNAS (GNAS complex locus; plus strand). Cytogenetic location: 20q13.32.
Variant type: single nucleotide variant.
Coding change: c.1768C>A on transcript NM_080425.4 (MANE Plus Clinical); coding-DNA position 1768, C replaced by A.
Protein change: p.Arg590Ser; replaces arginine 590 with serine.
Molecular consequence: missense variant. On other transcripts: intron variant (3), synonymous variant (2).
Genome position (GRCh38, 1-based): chr20:58,855,033, C>A. VCF-style: chr20-58855033-C-A. GRCh37 (hg19) VCF-style: chr20-57430088-C-A.
Other names: c.-39+13158C>A (NM_001309861.2); c.1581C>A, p.Ser527= (NM_001077490.3, NM_001309883.1); c.1768C>A, p.Arg590Ser (NM_001410913.1); c.*42+14147C>A (NM_016592.5); c.43+14147C>A (NM_001410912.1); short protein forms R590S.
Identifiers: ClinVar variation 3346406 (VCV003346406.1).

ClinVar aggregate classification (germline): Uncertain significance (0 of 4 stars; one submission).

Conditions:
GNAS-related disorder. Identifiers: MedGen CN380105.

Submission:

PreventionGenetics, part of Exact Sciences
Classification: Uncertain significance for GNAS-related condition. Last evaluated: 2024-06-17. Review status: no assertion criteria provided. Collection method: clinical testing. Allele origin: germline.
Comment: The GNAS c.1768C>A variant is predicted to result in the amino acid substitution p.Arg590Ser. To our knowledge, this variant has not been reported in the literature or in a large population database, indicating this variant is rare. At this time, the clinical significance of this variant is uncertain due to the absence of conclusive functional and genetic evidence.